The following is an entry in ClinVar:

NM_015474.4(SAMHD1):c.11C>T (p.Ala4Val)

Gene: SAMHD1 (SAM and HD domain containing deoxynucleoside triphosphate triphosphohydrolase 1; minus strand). Cytogenetic location: 20q11.23.
Variant type: single nucleotide variant.
Coding change: c.11C>T on transcript NM_015474.4 (MANE Select); coding-DNA position 11, C replaced by T.
Protein change: p.Ala4Val; replaces alanine 4 with valine.
Molecular consequence: missense variant.
Genome position (GRCh38, 1-based): chr20:36,951,633, G>A on the plus strand (C>T on the coding strand, the complement: SAMHD1 is on the minus strand). VCF-style: chr20-36951633-G-A. GRCh37 (hg19) VCF-style: chr20-35580036-G-A.
Other names: c.11C>T, p.Ala4Val (NM_001363729.2, NM_001363733.2); short protein forms A4V.
Identifiers: ClinVar variation 958229 (VCV000958229.7), dbSNP rs755673943, ClinGen allele CA408833893.

ClinVar aggregate classification (germline): Uncertain significance. Review status: criteria provided, single submitter (1 of 4 stars). 2 submissions from 2 submitters: Uncertain significance (1). 1 of the submissions does not count toward it. Last evaluated 2024-08-13.

Conditions:
Aicardi Goutieres syndrome (AGS). Also called: Encephalopathy, familial infantile, with calcification of basal ganglia and chronic cerebrospinal fluid lymphocytosis. Identifiers: Orphanet 51, MedGen C0393591, MONDO:0018866.
Aicardi-Goutieres syndrome 5. Identifiers: Orphanet 51, MedGen C2749659, MONDO:0013059, OMIM 612952.

gnomAD v4.1: 1 of 1,613,644 alleles (0.000062%); highest among the groups gnomAD compares: Non-Finnish European, 0.000085%; no homozygotes.

Submissions (2):

Labcorp Genetics (formerly Invitae), Labcorp
Classification: Uncertain significance for Aicardi-Goutieres syndrome 5. Last evaluated: 2024-08-13. Review status: criteria provided, single submitter. Criteria: Invitae Variant Classification Sherloc (09022015). Collection method: clinical testing. Allele origin: germline.
Comment: This sequence change replaces alanine, which is neutral and non-polar, with valine, which is neutral and non-polar, at codon 4 of the SAMHD1 protein (p.Ala4Val). This variant is not present in population databases (gnomAD no frequency). This variant has not been reported in the literature in individuals affected with SAMHD1-related conditions. ClinVar contains an entry for this variant (Variation ID: 958229). An algorithm developed to predict the effect of missense changes on protein structure and function (PolyPhen-2) suggests that this variant is likely to be tolerated. In summary, the available evidence is currently insufficient to determine the role of this variant in disease. Therefore, it has been classified as a Variant of Uncertain Significance.

Natera, Inc.
Classification: Uncertain significance for Aicardi-Goutieres syndrome. Last evaluated: 2021-07-02. Review status: no assertion criteria provided. Collection method: clinical testing. Allele origin: germline. Not counted in ClinVar's aggregate classification.